The following is an entry in ClinVar:

NM_004998.4(MYO1E):c.333-12_333-9del

Gene: MYO1E (myosin IE; minus strand). Cytogenetic location: 15q22.2.
Variant type: Microsatellite.
Coding change: c.333-12_333-9del on transcript NM_004998.4 (MANE Select); 12 bases into the intron before coding-DNA position 333 through 9 bases into the intron before coding-DNA position 333, 4 bases deleted (GTCT; older notation c.333-12_333-9delGTCT).
Molecular consequence: intron variant.
Genome position (GRCh38, 1-based): chr15:59,236,681-59,236,684, AGAC deleted on the plus strand (GTCT on the coding strand, the reverse complement: MYO1E is on the minus strand); deleting any 4 consecutive bases within chr15:59,236,681-59,236,689 gives the same sequence; the c. name uses the placement nearest the transcript's 3' end. VCF-style (leftmost placement, unchanged base first): chr15-59236680-AAGAC-A. GRCh37 (hg19) VCF-style: chr15-59528879-AAGAC-A.
Other names: NC_000015.9:g.59528885_59528888del; c.333-17_333-14del (NM_004998.4).
Identifiers: ClinVar variation 595079 (VCV000595079.19), dbSNP rs200881397, ClinGen allele CA7590373.

ClinVar aggregate classification (germline): Benign/Likely benign. Review status: criteria provided, multiple submitters, no conflicts (2 of 4 stars). 5 submissions from 5 submitters: Benign (1); Likely benign (3). 1 of the submissions does not count toward it. Last evaluated 2026-01-24.

Conditions:
MYO1E-related disorder. Also called: MYO1E-related condition.

Submissions (8):

Labcorp Genetics (formerly Invitae), Labcorp
Classification: Benign. Last evaluated: 2026-01-24. Review status: criteria provided, single submitter. Criteria: Invitae Variant Classification Sherloc (09022015). Collection method: clinical testing. Allele origin: germline.

Blueprint Genetics
Classification: Likely benign. Last evaluated: 2024-11-12. Review status: criteria provided, single submitter. Criteria: ACMG Guidelines, 2015. Collection method: clinical testing. Allele origin: germline.

GeneDx
Classification: Likely benign. Last evaluated: 2021-04-02. Review status: criteria provided, single submitter. Criteria: GeneDx Variant Classification Process June 2021. Collection method: clinical testing. Allele origin: germline. Affected: yes.

Eurofins Ntd Llc (ga)
Classification: Likely benign. Last evaluated: 2017-12-01. Review status: criteria provided, single submitter. Criteria: EGL Classification Definitions 2015. Collection method: clinical testing. Allele origin: germline. Observed: 1 variant allele, 1 heterozygote.

PreventionGenetics, part of Exact Sciences
Classification: Benign for MYO1E-related condition. Last evaluated: 2022-12-20. Review status: no assertion criteria provided. Collection method: clinical testing. Allele origin: germline. Not counted in ClinVar's aggregate classification.
Comment: This variant is classified as benign based on ACMG/AMP sequence variant interpretation guidelines (Richards et al. 2015 PMID: 25741868, with internal and published modifications).

Dr. Peter K. Rogan Lab, Western University
No classification provided (evidence only). Condition: Malignant tumor of esophagus. Review status: no classification provided. Collection method: in vitro. Allele origin: not applicable. Functional consequence: skipped exon. Not counted in ClinVar's aggregate classification.

Dr. Peter K. Rogan Lab, Western University
No classification provided (evidence only). Condition: Colon adenocarcinoma. Review status: no classification provided. Collection method: in vitro. Allele origin: not applicable. Functional consequence: skipped exon. Not counted in ClinVar's aggregate classification.

Dr. Peter K. Rogan Lab, Western University
No classification provided (evidence only). Condition: Nonpapillary renal cell carcinoma. Review status: no classification provided. Collection method: in vitro. Allele origin: not applicable. Functional consequence: retained intron. Not counted in ClinVar's aggregate classification.